The following is an entry in ClinVar:

ClinVar aggregate classification (germline): Uncertain significance. Review status: criteria provided, multiple submitters, no conflicts (2 of 4 stars). 2 submissions from 2 submitters: Uncertain significance (2). Last evaluated 2020-10-20.

Conditions:
Inborn genetic diseases. Identifiers: MedGen C0950123, MeSH D030342.
Charcot-Marie-Tooth disease type 4. Also called: Charcot-Marie-Tooth disease, type IV; Charcot-Marie-Tooth, Type 4. Identifiers: Orphanet 64749, MedGen C4082197, MONDO:0018995.

Allele frequency attached by ClinVar (database versions not stated): gnomAD exomes 0.00001 and below 0.00001; TOPMed 0.00001; gnomAD 0.00001.

Submissions (2):

Ambry Genetics
Classification: Uncertain significance for Inborn genetic diseases. Last evaluated: 2020-10-20. Review status: criteria provided, single submitter. Criteria: Ambry Variant Classification Scheme 2023. Collection method: clinical testing. Allele origin: germline.
Comment: The c.88_90dupGGC variant (also known as p.G30dup), located in coding exon 1 of the FGD4 gene, results from an in-frame duplication of GGC at nucleotide positions 88 to 90. This results in the duplication of an extra residue between codons 30 and 31. This amino acid position is highly conserved in available vertebrate species. In addition, this alteration is predicted to be neutral by in silico analysis (Choi Y et al. PLoS ONE. 2012; 7(10):e46688). Since supporting evidence is limited at this time, the clinical significance of this alteration remains unclear.

Labcorp Genetics (formerly Invitae), Labcorp
Classification: Uncertain significance for Charcot-Marie-Tooth disease type 4. Last evaluated: 2019-04-12. Review status: criteria provided, single submitter. Criteria: Invitae Variant Classification Sherloc (09022015). Collection method: clinical testing. Allele origin: germline.
Comment: This variant, c.88_90dup, results in the insertion of 1 amino acid(s) to the FGD4 protein (p.Gly30dup), but otherwise preserves the integrity of the reading frame. This variant is not present in population databases (ExAC no frequency). This variant has not been reported in the literature in individuals with FGD4-related conditions. Experimental studies and prediction algorithms are not available for this variant, and the functional significance of the affected amino acid(s) is currently unknown. In summary, the available evidence is currently insufficient to determine the role of this variant in disease. Therefore, it has been classified as a Variant of Uncertain Significance.

NM_001370298.3(FGD4):c.499_501dup (p.Gly167_Ser168insGly)

Gene: FGD4 (FYVE, RhoGEF and PH domain containing 4; plus strand). Cytogenetic location: 12p11.21.
Variant type: Duplication.
Coding change: c.499_501dup on transcript NM_001370298.3 (MANE Select); coding-DNA positions 499 to 501, 3 bases duplicated (GGC; older notation c.499_501dupGGC).
Protein change: p.Gly167_Ser168insGly.
Molecular consequence: inframe insertion. On other transcripts: inframe indel (1), 5 prime UTR variant (2), intron variant (4).
Genome position (GRCh38, 1-based): chr12:32,576,445-32,576,447, GGC duplicated. VCF-style (leftmost placement, unchanged base first): chr12-32576444-A-AGGC. GRCh37 (hg19) VCF-style: chr12-32729378-A-AGGC.
Other names: c.88_90dupGGC (NM_139241.2); c.343_345dup, p.Gly115_Ser116insGly (NM_001304481.2); c.-757_-755dup (NM_001304483.2); c.-1064_-1062dup (NM_001304484.2); c.499_501dup, p.Gly167_Ser168insGly (NM_001384126.1); c.88_90dup, p.Gly30_Ser31insGly (NM_001384127.1, NM_001384128.1, NM_001384131.1 and 3 more transcripts); c.-187-5515_-187-5513dup (NM_001330374.2, NM_001330373.2, NM_001384130.1); c.48+12156_48+12158dup (NM_001370297.1).
Identifiers: ClinVar variation 852133 (VCV000852133.11), dbSNP rs1223446306, ClinGen allele CA687421310.